The following is an entry in ClinVar:

NM_001348768.2(HECW2):c.3050G>A (p.Arg1017Gln)

Gene: HECW2 (HECT, C2 and WW domain containing E3 ubiquitin protein ligase 2; minus strand). Cytogenetic location: 2q32.3.
Variant type: single nucleotide variant.
Coding change: c.3050G>A on transcript NM_001348768.2 (MANE Select); coding-DNA position 3050, G replaced by A.
Protein change: p.Arg1017Gln; replaces arginine 1017 with glutamine.
Molecular consequence: missense variant.
Genome position (GRCh38, 1-based): chr2:196,278,613, C>T on the plus strand (G>A on the coding strand, the complement: HECW2 is on the minus strand). VCF-style: chr2-196278613-C-T. GRCh37 (hg19) VCF-style: chr2-197143337-C-T.
Other names: c.1982G>A, p.Arg661Gln (NM_001304840.3); c.3050G>A, p.Arg1017Gln (NM_020760.4); short protein forms R1017Q, R661Q.
Identifiers: ClinVar variation 5042570 (VCV005042570.1).

ClinVar aggregate classification (germline): Uncertain significance (1 of 4 stars; one submission).

Conditions:
Neurodevelopmental disorder with hypotonia, seizures, and absent language (NDHSAL). Identifiers: MedGen C4310643, MONDO:0014995, OMIM 617268.

gnomAD v4.1: 4 of 1,613,772 alleles (0.00025%); highest among the groups gnomAD compares: African/African-American, 0.0027%; no homozygotes.

Submission:

UAEU Genomics Laboratory, United Arab Emirates University
Classification: Uncertain significance for Neurodevelopmental disorder with hypotonia, seizures, and absent language. Last evaluated: 2024-05-05. Review status: criteria provided, single submitter. Criteria: ACMG Guidelines, 2015. Collection method: research. Allele origin: germline. Affected: yes. Observed: 1 variant allele.
Comment: PM2, PP2, PP3